The following is an entry in ClinVar:

ClinVar aggregate classification (germline): Uncertain significance (1 of 4 stars; one submission).

Conditions:
Myofibrillar myopathy 6. Identifiers: Orphanet 199340, MedGen C2751831, MONDO:0013061, OMIM 612954.
Dilated cardiomyopathy 1HH (CMD1HH). Identifiers: Orphanet 154, MedGen C3151293, MONDO:0013479, OMIM 613881.

Allele frequency attached by ClinVar (database versions not stated): gnomAD exomes below 0.00001; gnomAD 0.00001; TOPMed 0.00001.
gnomAD v4.1: 2 of 1,614,054 alleles (0.00012%); highest among the groups gnomAD compares: African/African-American, 0.0013%; no homozygotes.

Submission:

Labcorp Genetics (formerly Invitae), Labcorp
Classification: Uncertain significance for Dilated cardiomyopathy 1HH; Myofibrillar myopathy 6. Last evaluated: 2022-02-11. Review status: criteria provided, single submitter. Criteria: Invitae Variant Classification Sherloc (09022015). Collection method: clinical testing. Allele origin: germline.
Comment: ClinVar contains an entry for this variant (Variation ID: 1063420). This variant has not been reported in the literature in individuals affected with BAG3-related conditions. This variant is not present in population databases (gnomAD no frequency). This sequence change replaces histidine, which is basic and polar, with arginine, which is basic and polar, at codon 100 of the BAG3 protein (p.His100Arg). Algorithms developed to predict the effect of missense changes on protein structure and function are either unavailable or do not agree on the potential impact of this missense change (SIFT: "Deleterious"; PolyPhen-2: "Probably Damaging"; Align-GVGD: "Class C0"). In summary, the available evidence is currently insufficient to determine the role of this variant in disease. Therefore, it has been classified as a Variant of Uncertain Significance.

NM_004281.4(BAG3):c.299A>G (p.His100Arg)

Gene: BAG3 (BAG cochaperone 3; plus strand). Cytogenetic location: 10q26.11.
Variant type: single nucleotide variant.
Coding change: c.299A>G on transcript NM_004281.4 (MANE Select); coding-DNA position 299, A replaced by G.
Protein change: p.His100Arg; replaces histidine 100 with arginine.
Molecular consequence: missense variant.
Genome position (GRCh38, 1-based): chr10:119,669,969, A>G. VCF-style: chr10-119669969-A-G. GRCh37 (hg19) VCF-style: chr10-121429481-A-G.
Other names: short protein forms H100R.
Identifiers: ClinVar variation 1063420 (VCV001063420.9), dbSNP rs1847122709, ClinGen allele CA378294815.
Genomic context (GRCh38, chr10:119,669,969, plus strand): 5'-GGGAAGGCCACCCTGTGTACCCCCAGCTCCGACCAGGCTACATTCCCATTCCTGTGCTCC[A>G]TGAAGGCGCTGAGAACCGGCAGGTGCACCCTTTCCATGTCTATCCCCAGCCTGGGATGCA-3'
Protein context (NP_004272.2, residues 90-110): RPGYIPIPVL[His100Arg]EGAENRQVHP